The following is an entry in ClinVar:

NM_016306.4:c.70_85del

Gene: DNAJB11 (DnaJ heat shock protein family (Hsp40) member B11; plus strand).
Variant type: Deletion.
Identifiers: ClinVar variation 4818747 (VCV004818747.1).

ClinVar aggregate classification (germline): Pathogenic (1 of 4 stars; one submission).

Conditions:
Autosomal dominant polycystic kidney disease. Identifiers: Orphanet 730, MedGen C0085413, MONDO:0004691.

Submission:

Mayo Translational Polycystic Kidney Disease Center, Mayo Clinic
Classification: Pathogenic for Autosomal dominant polycystic kidney disease. Last evaluated: 2026-01-30. Review status: criteria provided, single submitter. Criteria: ACMG Guidelines, 2015. Collection method: research. Allele origin: germline. Inheritance: Autosomal dominant inheritance. Affected: yes.
Comment: The c.70_85del variant in the DNAJB11 gene results in a frameshift starting at codon 24, leading to a premature stop codon 10 amino acids downstream (p.Arg24SerfsTer10). This alteration is predicted to produce a truncated protein and is consistent with loss of function, which is a known mechanism of disease for DNAJB11. Therefore, this variant meets the PVS1 criterion. The variant is absent from the gnomAD v4.1.0 population database, supporting PM2. Additionally, the variant has been identified in one individual who reached end-stage renal disease and exhibited kidney and liver cysts, providing clinical correlation with the associated phenotype and supporting PP4 (PMID: 32631624). Given the established gene–disease relationship, the variant’s rarity, and its deleterious molecular consequence, this variant is best classified as likely pathogenic.

Literature cited by the submitters: PubMed 32631624.